The following is an entry in ClinVar:

ClinVar aggregate classification (germline): Likely pathogenic (1 of 4 stars; one submission).

Conditions:
Aicardi-Goutieres syndrome 4. Identifiers: Orphanet 51, MedGen C1835912, MONDO:0012472, OMIM 610333.

Submission:

Labcorp Genetics (formerly Invitae), Labcorp
Classification: Likely pathogenic for Aicardi-Goutieres syndrome 4. Last evaluated: 2023-06-23. Review status: criteria provided, single submitter. Criteria: Invitae Variant Classification Sherloc (09022015). Collection method: clinical testing. Allele origin: germline.
Comment: This variant is not present in population databases (gnomAD no frequency). In summary, the currently available evidence indicates that the variant is pathogenic, but additional data are needed to prove that conclusively. Therefore, this variant has been classified as Likely Pathogenic. Algorithms developed to predict the effect of sequence changes on RNA splicing suggest that this variant may disrupt the consensus splice site. This variant has not been reported in the literature in individuals affected with RNASEH2A-related conditions. This sequence change affects an acceptor splice site in intron 2 of the RNASEH2A gene. It is expected to disrupt RNA splicing. Variants that disrupt the donor or acceptor splice site typically lead to a loss of protein function (PMID: 16199547), and loss-of-function variants in RNASEH2A are known to be pathogenic (PMID: 21454563, 25274781).

Literature cited by the submitters: PubMed 16199547; PubMed 21454563; PubMed 25274781.

NM_006397.3(RNASEH2A):c.200-1G>T

Gene: RNASEH2A (ribonuclease H2 subunit A; plus strand). Cytogenetic location: 19p13.13.
Variant type: single nucleotide variant.
Coding change: c.200-1G>T on transcript NM_006397.3 (MANE Select); the canonical splice acceptor site of the intron before coding-DNA position 200, G replaced by T.
Molecular consequence: splice acceptor variant.
Genome position (GRCh38, 1-based): chr19:12,807,205, G>T. VCF-style: chr19-12807205-G-T. GRCh37 (hg19) VCF-style: chr19-12918019-G-T.
Identifiers: ClinVar variation 2722788 (VCV002722788.3), dbSNP rs2512890062, ClinGen allele CA404264545.